The following is an entry in ClinVar:

ClinVar aggregate classification (germline): Uncertain significance (1 of 4 stars; one submission).

Conditions:
Inborn genetic diseases. Identifiers: MedGen C0950123, MeSH D030342.

Submission:

Ambry Genetics
Classification: Uncertain significance for Inborn genetic diseases. Last evaluated: 2022-05-06. Review status: criteria provided, single submitter. Criteria: Ambry Variant Classification Scheme 2023. Collection method: clinical testing. Allele origin: germline.
Comment: The p.S730C variant (also known as c.2189C>G), located in coding exon 10 of the MEFV gene, results from a C to G substitution at nucleotide position 2189. The serine at codon 730 is replaced by cysteine, an amino acid with dissimilar properties. This amino acid position is conserved. In addition, in silico predictors for this gene do not accurately predict pathogenicity. Since supporting evidence is limited at this time, the clinical significance of this alteration remains unclear.

NM_000243.3(MEFV):c.2189C>G (p.Ser730Cys)

Gene: MEFV (MEFV innate immunity regulator, pyrin; minus strand). Cytogenetic location: 16p13.3.
Variant type: single nucleotide variant.
Coding change: c.2189C>G on transcript NM_000243.3 (MANE Select); coding-DNA position 2189, C replaced by G.
Protein change: p.Ser730Cys; replaces serine 730 with cysteine.
Molecular consequence: missense variant. On other transcripts: 3 prime UTR variant (1).
Genome position (GRCh38, 1-based): chr16:3,243,298, G>C on the plus strand (C>G on the coding strand, the complement: MEFV is on the minus strand). VCF-style: chr16-3243298-G-C. GRCh37 (hg19) VCF-style: chr16-3293298-G-C.
Other names: c.*393C>G (NM_001198536.2); short protein forms S730C.
Identifiers: ClinVar variation 1787378 (VCV001787378.2), dbSNP rs2543139003, ClinGen allele CA394485416.